The following is an entry in ClinVar:

NM_001206927.2(DNAH8):c.4198C>T (p.Gln1400Ter)

Gene: DNAH8 (dynein axonemal heavy chain 8; plus strand). Cytogenetic location: 6p21.2.
Variant type: single nucleotide variant.
Coding change: c.4198C>T on transcript NM_001206927.2 (MANE Select); coding-DNA position 4198, C replaced by T.
Protein change: p.Gln1400Ter; replaces glutamine 1400 with a stop codon.
Molecular consequence: nonsense.
Genome position (GRCh38, 1-based): chr6:38,832,331, C>T. VCF-style: chr6-38832331-C-T. GRCh37 (hg19) VCF-style: chr6-38800107-C-T.
Other names: c.3547C>T, p.Gln1183Ter (NM_001371.4); short protein forms Q1183*, Q1400*.
Identifiers: ClinVar variation 1938267 (VCV001938267.5), dbSNP rs753062783, ClinGen allele CA3789067.

ClinVar aggregate classification (germline): Pathogenic (1 of 4 stars; one submission).

Conditions:
Primary ciliary dyskinesia. Also called: Ciliary dyskinesia. Identifiers: Orphanet 244, MedGen C0008780, MONDO:0016575, HP:0012265.

Allele frequency attached by ClinVar (database versions not stated): ExAC 0.00001; gnomAD 0.00002; TOPMed 0.00004; gnomAD exomes 0.00005.
gnomAD v4.1: 86 of 1,608,622 alleles (0.0053%); highest among the groups gnomAD compares: Non-Finnish European, 0.0062%; no homozygotes.

Submission:

Labcorp Genetics (formerly Invitae), Labcorp
Classification: Pathogenic for Primary ciliary dyskinesia. Last evaluated: 2025-03-02. Review status: criteria provided, single submitter. Criteria: Invitae Variant Classification Sherloc (09022015). Collection method: clinical testing. Allele origin: germline.
Comment: This sequence change creates a premature translational stop signal (p.Gln1400*) in the DNAH8 gene. It is expected to result in an absent or disrupted protein product. Loss-of-function variants in DNAH8 are known to be pathogenic (PMID: 24307375, 32619401, 32681648). This variant is present in population databases (rs753062783, gnomAD 0.006%). This variant has not been reported in the literature in individuals affected with DNAH8-related conditions. ClinVar contains an entry for this variant (Variation ID: 1938267). For these reasons, this variant has been classified as Pathogenic.

Literature cited by the submitters: PubMed 24307375; PubMed 32619401; PubMed 32681648.